The following is an entry in ClinVar:

NM_005996.4(TBX3):c.463A>G (p.Ile155Val)

Gene: TBX3 (T-box transcription factor 3; minus strand). Cytogenetic location: 12q24.21.
Variant type: single nucleotide variant.
Coding change: c.463A>G on transcript NM_005996.4 (MANE Select); coding-DNA position 463, A replaced by G.
Protein change: p.Ile155Val; replaces isoleucine 155 with valine.
Molecular consequence: missense variant.
Genome position (GRCh38, 1-based): chr12:114,681,073, T>C on the plus strand (A>G on the coding strand, the complement: TBX3 is on the minus strand). VCF-style: chr12-114681073-T-C. GRCh37 (hg19) VCF-style: chr12-115118878-T-C.
Other names: c.463A>G (NM_016569.3, NM_005996.3); c.463A>G, p.Ile155Val (NM_016569.4); short protein forms I155V.
Identifiers: ClinVar variation 1408800 (VCV001408800.10), dbSNP rs1296731331, ClinGen allele CA386871789.

ClinVar aggregate classification (germline): Uncertain significance. Review status: criteria provided, multiple submitters, no conflicts (2 of 4 stars). 3 submissions from 3 submitters: Uncertain significance (2). 1 of the submissions does not count toward it. Last evaluated 2024-10-23.

Conditions:
TBX3-related disorder. Also called: TBX3-related condition.
Inborn genetic diseases. Identifiers: MedGen C0950123, MeSH D030342.
Ulnar-mammary syndrome (UMS). Also called: SCHINZEL SYNDROME; Ulnar-mammary syndrome of Pallister; PALLISTER ULNAR-MAMMARY SYNDROME. Identifiers: Orphanet 3138, MedGen C1866994, MONDO:0008411, OMIM 181450.

Allele frequency attached by ClinVar (database versions not stated): gnomAD 0.00001; gnomAD exomes 0.00001; TOPMed 0.00003.

Submissions (3):

Labcorp Genetics (formerly Invitae), Labcorp
Classification: Uncertain significance for Ulnar-mammary syndrome. Last evaluated: 2024-10-23. Review status: criteria provided, single submitter. Criteria: Invitae Variant Classification Sherloc (09022015). Collection method: clinical testing. Allele origin: germline.
Comment: This sequence change replaces isoleucine, which is neutral and non-polar, with valine, which is neutral and non-polar, at codon 155 of the TBX3 protein (p.Ile155Val). This variant is present in population databases (no rsID available, gnomAD 0.01%). This missense change has been observed in individual(s) with clinical features ulnar-mammary syndrome (internal data). ClinVar contains an entry for this variant (Variation ID: 1408800). An algorithm developed to predict the effect of missense changes on protein structure and function (PolyPhen-2) suggests that this variant is likely to be disruptive. In summary, the available evidence is currently insufficient to determine the role of this variant in disease. Therefore, it has been classified as a Variant of Uncertain Significance.

Ambry Genetics
Classification: Uncertain significance for Inborn genetic diseases. Last evaluated: 2023-04-05. Review status: criteria provided, single submitter. Criteria: Ambry Variant Classification Scheme 2023. Collection method: clinical testing. Allele origin: germline.

PreventionGenetics, part of Exact Sciences
Classification: Uncertain significance for TBX3-related condition. Last evaluated: 2024-07-22. Review status: no assertion criteria provided. Collection method: clinical testing. Allele origin: germline. Not counted in ClinVar's aggregate classification.
Comment: The TBX3 c.463A>G variant is predicted to result in the amino acid substitution p.Ile155Val. To our knowledge, this variant has not been reported in the literature. This variant is reported in 0.011% of alleles in individuals of Latino descent in gnomAD. At this time, the clinical significance of this variant is uncertain due to the absence of conclusive functional and genetic evidence.